The following is an entry in ClinVar:

ClinVar aggregate classification (germline): Uncertain significance (1 of 4 stars; one submission).

Allele frequency attached by ClinVar (database versions not stated): gnomAD exomes below 0.00001.
gnomAD v4.1: 1 of 1,612,338 alleles (0.000062%); highest among the groups gnomAD compares: African/African-American, 0.0013%; no homozygotes.

Submission:

Labcorp Genetics (formerly Invitae), Labcorp
Classification: Uncertain significance. Last evaluated: 2023-03-17. Review status: criteria provided, single submitter. Criteria: Invitae Variant Classification Sherloc (09022015). Collection method: clinical testing. Allele origin: germline.
Comment: In summary, the available evidence is currently insufficient to determine the role of this variant in disease. Therefore, it has been classified as a Variant of Uncertain Significance. An algorithm developed to predict the effect of missense changes on protein structure and function (PolyPhen-2) suggests that this variant is likely to be tolerated. This variant has not been reported in the literature in individuals affected with SAMD9L-related conditions. This variant is not present in population databases (gnomAD no frequency). This sequence change replaces glutamic acid, which is acidic and polar, with aspartic acid, which is acidic and polar, at codon 535 of the SAMD9L protein (p.Glu535Asp).

NM_152703.5(SAMD9L):c.1605A>C (p.Glu535Asp)

Gene: SAMD9L (sterile alpha motif domain containing 9 like; minus strand). Cytogenetic location: 7q21.2.
Variant type: single nucleotide variant.
Coding change: c.1605A>C on transcript NM_152703.5 (MANE Select); coding-DNA position 1605, A replaced by C.
Protein change: p.Glu535Asp; replaces glutamic acid 535 with aspartic acid.
Molecular consequence: missense variant.
Genome position (GRCh38, 1-based): chr7:93,134,367, T>G on the plus strand (A>C on the coding strand, the complement: SAMD9L is on the minus strand). VCF-style: chr7-93134367-T-G. GRCh37 (hg19) VCF-style: chr7-92763680-T-G.
Other names: c.1605A>C, p.Glu535Asp (NM_001303496.3, NM_001303497.3, NM_001303498.3 and 5 more transcripts); short protein forms E535D.
Identifiers: ClinVar variation 2798553 (VCV002798553.3), dbSNP rs2535426636, ClinGen allele CA368195602.
Genomic context (GRCh38, chr7:93,134,367, plus strand): 5'-GCTTTCCACTGAAGAGAGTAATAGAAACACTACCAAAAATTTTCCTCTTGTCATTATATT[T>G]TCATCTGTGAGAAATAAAATTAGTTTCCTGACTTCTGAAGCTCTTTCTCTCTGCCATAAA-3'
Protein context (NP_689916.2, residues 525-545): VRKLILFLTD[Glu535Asp]NIMTRGKFLV